The following is an entry in ClinVar:

ClinVar aggregate classification (germline): Uncertain significance (1 of 4 stars; one submission).

Conditions:
Holoprosencephaly sequence (HPE). Also called: Holoprosencephaly. Identifiers: Orphanet 2162, MedGen C0079541, MONDO:0016296, HP:0001360.

Submission:

Labcorp Genetics (formerly Invitae), Labcorp
Classification: Uncertain significance for Holoprosencephaly sequence. Last evaluated: 2025-09-02. Review status: criteria provided, single submitter. Criteria: Invitae Variant Classification Sherloc (09022015). Collection method: clinical testing. Allele origin: germline.
Comment: This sequence change replaces alanine, which is neutral and non-polar, with valine, which is neutral and non-polar, at codon 309 of the FOXH1 protein (p.Ala309Val). This variant is present in population databases (rs577143054, gnomAD 0.02%). This variant has not been reported in the literature in individuals affected with FOXH1-related conditions. Invitae Evidence Modeling of protein sequence and biophysical properties (such as structural, functional, and spatial information, amino acid conservation, physicochemical variation, residue mobility, and thermodynamic stability) indicates that this missense variant is not expected to disrupt FOXH1 protein function with a negative predictive value of 80%. In summary, the available evidence is currently insufficient to determine the role of this variant in disease. Therefore, it has been classified as a Variant of Uncertain Significance.

NM_003923.3(FOXH1):c.926C>T (p.Ala309Val)

Gene: FOXH1 (forkhead box H1; minus strand). Cytogenetic location: 8q24.3.
Variant type: single nucleotide variant.
Coding change: c.926C>T on transcript NM_003923.3 (MANE Select); coding-DNA position 926, C replaced by T.
Protein change: p.Ala309Val; replaces alanine 309 with valine.
Molecular consequence: missense variant.
Genome position (GRCh38, 1-based): chr8:144,474,410, G>A on the plus strand (C>T on the coding strand, the complement: FOXH1 is on the minus strand). VCF-style: chr8-144474410-G-A. GRCh37 (hg19) VCF-style: chr8-145699793-G-A.
Other names: short protein forms A309V.
Identifiers: ClinVar variation 4707293 (VCV004707293.1).